The following is an entry in ClinVar:

ClinVar aggregate classification (germline): Likely benign (1 of 4 stars; one submission).

Allele frequency attached by ClinVar (database versions not stated): gnomAD exomes below 0.00001.
gnomAD v4.1: 3 of 1,286,574 alleles (0.00023%); highest among the groups gnomAD compares: Non-Finnish European, 0.00034%; no homozygotes.

Submission:

GeneDx
Classification: Likely benign. Last evaluated: 2016-05-26. Review status: criteria provided, single submitter. Criteria: GeneDx Variant Classification (06012015). Collection method: clinical testing. Allele origin: germline. Affected: yes.
Comment: This variant is considered likely benign or benign based on one or more of the following criteria: it is a conservative change, it occurs at a poorly conserved position in the protein, it is predicted to be benign by multiple in silico algorithms, and/or has population frequency not consistent with disease.

NM_001040142.2(SCN2A):c.268-19G>A

Gene: SCN2A (sodium voltage-gated channel alpha subunit 2; plus strand). Cytogenetic location: 2q24.3.
Variant type: single nucleotide variant.
Coding change: c.268-19G>A on transcript NM_001040142.2 (MANE Select); 19 bases into the intron before coding-DNA position 268, G replaced by A.
Molecular consequence: intron variant.
Genome position (GRCh38, 1-based): chr2:165,296,998, G>A. VCF-style: chr2-165296998-G-A. GRCh37 (hg19) VCF-style: chr2-166153508-G-A.
Other names: c.268-19G>A (NM_001040143.2, NM_001371246.1, NM_001371247.1 and 1 more transcripts).
Identifiers: ClinVar variation 386480 (VCV000386480.1), dbSNP rs898178511, ClinGen allele CA16603809.